The following is an entry in ClinVar:

NM_000297.4(PKD2):c.274C>T (p.Pro92Ser)

Genes: PKD2 (polycystin 2, transient receptor potential cation channel; plus strand), LOC129992813 (ATAC-STARR-seq lymphoblastoid silent region 15559; plus strand). Cytogenetic location: 4q22.1.
Variant type: single nucleotide variant.
Coding change: c.274C>T on transcript NM_000297.4 (MANE Select); coding-DNA position 274, C replaced by T.
Protein change: p.Pro92Ser; replaces proline 92 with serine.
Molecular consequence: missense variant. On other transcripts: non-coding transcript variant (1).
Genome position (GRCh38, 1-based): chr4:88,008,007, C>T. VCF-style: chr4-88008007-C-T. GRCh37 (hg19) VCF-style: chr4-88929159-C-T.
Other names: c.274C>T (NM_000297.3); short protein forms P92S.
Identifiers: ClinVar variation 2151867 (VCV002151867.7), dbSNP rs940758517, ClinGen allele CA100873113.

ClinVar aggregate classification (germline): Conflicting classifications of pathogenicity. Review status: criteria provided, conflicting classifications (1 of 4 stars). 3 submissions from 3 submitters: Uncertain significance (1); Likely benign (1). 1 of the submissions does not count toward it. Last evaluated 2025-11-24.

Conditions:
PKD2-related disorder. Also called: PKD2-related condition.
Inborn genetic diseases. Identifiers: MedGen C0950123, MeSH D030342.
Autosomal dominant polycystic kidney disease. Identifiers: Orphanet 730, MedGen C0085413, MONDO:0004691.

Allele frequency attached by ClinVar (database versions not stated): gnomAD 0.00011; 1000 Genomes Project 30x 0.00016; TOPMed 0.00026.

Submissions (3):

Labcorp Genetics (formerly Invitae), Labcorp
Classification: Likely benign for Autosomal dominant polycystic kidney disease. Last evaluated: 2025-11-24. Review status: criteria provided, single submitter. Criteria: Invitae Variant Classification Sherloc (09022015). Collection method: clinical testing. Allele origin: germline.

Ambry Genetics
Classification: Uncertain significance for Inborn genetic diseases. Last evaluated: 2024-04-29. Review status: criteria provided, single submitter. Criteria: Ambry Variant Classification Scheme 2023. Collection method: clinical testing. Allele origin: germline.

PreventionGenetics, part of Exact Sciences
Classification: Likely benign for PKD2-related condition. Last evaluated: 2022-12-22. Review status: no assertion criteria provided. Collection method: clinical testing. Allele origin: germline. Not counted in ClinVar's aggregate classification.
Comment: This variant is classified as likely benign based on ACMG/AMP sequence variant interpretation guidelines (Richards et al. 2015 PMID: 25741868, with internal and published modifications).